The following is an entry in ClinVar:

NM_004595.5(SMS):c.701G>A (p.Arg234Gln)

Gene: SMS (spermine synthase; plus strand). Cytogenetic location: Xp22.11.
Variant type: single nucleotide variant.
Coding change: c.701G>A on transcript NM_004595.5 (MANE Select); coding-DNA position 701, G replaced by A.
Protein change: p.Arg234Gln; replaces arginine 234 with glutamine.
Molecular consequence: missense variant.
Genome position (GRCh38, 1-based): chrX:21,978,917, G>A. VCF-style: chrX-21978917-G-A. GRCh37 (hg19) VCF-style: chrX-21997035-G-A.
Other names: c.542G>A, p.Arg181Gln (NM_001258423.2); short protein forms R181Q, R234Q.
Identifiers: ClinVar variation 4823124 (VCV004823124.4).
Genomic context (GRCh38, chrX:21,978,917, plus strand): 5'-CTCCTTAACCTGTTGCGGACATTGACCAAATGGTGATTGATGGGTGTAAGAAATACATGC[G>A]AAAAACGTGTGGCGATGTCTTAGACAATCTTAAAGGAGACTGCTATCAGGTAATTGTTTT-3'
Protein context (NP_004586.2, residues 224-244): MVIDGCKKYM[Arg234Gln]KTCGDVLDNL

ClinVar aggregate classification (germline): Uncertain significance (1 of 4 stars; one submission).

Submission:

CeGaT Center for Human Genetics Tuebingen
Classification: Uncertain significance. Last evaluated: 2026-01-01. Review status: criteria provided, single submitter. Criteria: CeGaT Center For Human Genetics Tuebingen Variant Classification Criteria Version 2. Collection method: clinical testing. Allele origin: germline. Affected: yes. Observed: 1 variant allele.
Comment: SMS: PM2